The following is an entry in ClinVar:

NM_001079802.2(FKTN):c.21C>T (p.Asn7=)

Gene: FKTN (fukutin; plus strand). Cytogenetic location: 9q31.2.
Variant type: single nucleotide variant.
Coding change: c.21C>T on transcript NM_001079802.2 (MANE Select); coding-DNA position 21, C replaced by T.
Protein change: p.Asn7=; no amino-acid change (asparagine 7 retained).
Molecular consequence: synonymous variant. On other transcripts: 5 prime UTR variant (5), non-coding transcript variant (2).
Genome position (GRCh38, 1-based): chr9:105,575,053, C>T. VCF-style: chr9-105575053-C-T. GRCh37 (hg19) VCF-style: chr9-108337334-C-T.
Other names: c.21C>T, p.Asn7= (NM_001198963.2, NM_001351496.2, NM_001351498.2 and 1 more transcripts); c.-147C>T (NM_001351497.2); c.-494C>T (NM_001351499.2, NM_001351500.2, NM_001351501.2 and 1 more transcripts).
Identifiers: ClinVar variation 286899 (VCV000286899.57), dbSNP rs564632018, ClinGen allele CA5170285.

ClinVar aggregate classification (germline): Conflicting classifications of pathogenicity. Review status: criteria provided, conflicting classifications (1 of 4 stars). 5 submissions from 5 submitters: Uncertain significance (1); Likely benign (4). Last evaluated 2026-09-21.

Conditions:
Walker-Warburg congenital muscular dystrophy. Also called: Muscular dystrophy-dystroglycanopathy, type A; Walker-Warburg syndrome. Identifiers: Orphanet 899, MedGen C0265221, MONDO:0000171.
Cardiovascular phenotype. Identifiers: MedGen CN230736.

Allele frequency attached by ClinVar (database versions not stated): gnomAD 0.00001 and 0.00005; gnomAD exomes 0.00013 and 0.00007; ExAC 0.00013; 1000 Genomes Project 30x 0.00031; TOPMed 0.00001; 1000 Genomes Project 0.00040.
gnomAD v4.1: 104 of 1,602,858 alleles (0.0065%); highest among the groups gnomAD compares: South Asian, 0.091%; no homozygotes.

Submissions (5):

Molecular Diagnostic Laboratory for Inherited Cardiovascular Disease, Montreal Heart Institute
Classification: Likely benign. Last evaluated: 2026-09-21. Review status: criteria provided, single submitter. Criteria: ACMG Guidelines, 2015. Collection method: clinical testing. Allele origin: germline. Affected: no.
Comment: BP7

Labcorp Genetics (formerly Invitae), Labcorp
Classification: Likely benign for Walker-Warburg congenital muscular dystrophy. Last evaluated: 2026-01-21. Review status: criteria provided, single submitter. Criteria: Invitae Variant Classification Sherloc (09022015). Collection method: clinical testing. Allele origin: germline.

Ambry Genetics
Classification: Likely benign for Cardiovascular phenotype. Last evaluated: 2024-02-18. Review status: criteria provided, single submitter. Criteria: Ambry Variant Classification Scheme 2023. Collection method: clinical testing. Allele origin: germline.

GeneDx
Classification: Likely benign. Last evaluated: 2018-07-20. Review status: criteria provided, single submitter. Criteria: GeneDx Variant Classification Process June 2021. Collection method: clinical testing. Allele origin: germline. Affected: yes.

Eurofins Ntd Llc (ga)
Classification: Uncertain significance. Last evaluated: 2016-03-16. Review status: criteria provided, single submitter. Criteria: EGL Classification Definitions 2015. Collection method: clinical testing. Allele origin: germline. Observed: 3 variant alleles, 3 heterozygotes.